The following is an entry in ClinVar:

ClinVar aggregate classification (germline): Pathogenic (1 of 4 stars; one submission).

Conditions:
Primary ciliary dyskinesia 16. Also called: CILIARY DYSKINESIA, PRIMARY, 16, WITH OR WITHOUT SITUS INVERSUS. Identifiers: Orphanet 244, MedGen C3151460, MONDO:0013525, OMIM 614017.

Allele frequency attached by ClinVar (database versions not stated): gnomAD exomes 0.00001; TOPMed 0.00001.
gnomAD v4.1: 9 of 1,612,964 alleles (0.00056%); highest among the groups gnomAD compares: Non-Finnish European, 0.00076%; no homozygotes.

Submission:

Labcorp Genetics (formerly Invitae), Labcorp
Classification: Pathogenic for Primary ciliary dyskinesia 16. Last evaluated: 2023-06-15. Review status: criteria provided, single submitter. Criteria: Invitae Variant Classification Sherloc (09022015). Collection method: clinical testing. Allele origin: germline.
Comment: This sequence change creates a premature translational stop signal (p.Trp99*) in the DNAL1 gene. It is expected to result in an absent or disrupted protein product. Loss-of-function variants in DNAL1 are known to be pathogenic (PMID: 21496787). This variant is not present in population databases (gnomAD no frequency). This variant has not been reported in the literature in individuals affected with DNAL1-related conditions. For these reasons, this variant has been classified as Pathogenic.

Literature cited by the submitters: PubMed 21496787.

NM_031427.4(DNAL1):c.296G>A (p.Trp99Ter)

Gene: DNAL1 (dynein axonemal light chain 1; plus strand). Cytogenetic location: 14q24.3.
Variant type: single nucleotide variant.
Coding change: c.296G>A on transcript NM_031427.4 (MANE Select); coding-DNA position 296, G replaced by A.
Protein change: p.Trp99Ter; replaces tryptophan 99 with a stop codon.
Molecular consequence: nonsense.
Genome position (GRCh38, 1-based): chr14:73,687,290, G>A. VCF-style: chr14-73687290-G-A. GRCh37 (hg19) VCF-style: chr14-74153993-G-A.
Other names: c.179G>A, p.Trp60Ter (NM_001201366.2); short protein forms W60*, W99*.
Identifiers: ClinVar variation 2955850 (VCV002955850.3), dbSNP rs1252878067, ClinGen allele CA390332154.
Genomic context (GRCh38, chr14:73,687,290, plus strand): 5'-AACATAAATCAAATTTTGTTCTTTTTCAGGAGGCAGTAGGGGACACATTAGAAGAACTGT[G>A]GATCTCCTACAATTTTATTGAGAAGTTGAAAGGGATCCACATAATGAAGAAATTGAAGAT-3'